The following is an entry in ClinVar:

ClinVar aggregate classification (germline): Uncertain significance (1 of 4 stars; one submission).

Conditions:
Heterotopia, periventricular, X-linked dominant (PVNH1). Also called: PERIVENTRICULAR NODULAR HETEROTOPIA 4; HETEROTOPIA, PERIVENTRICULAR, 1; PERIVENTRICULAR NODULAR HETEROTOPIA 1; X-linked periventricular heterotopia. Identifiers: Orphanet 2149, Orphanet 82004, MedGen C1848213, MONDO:0010233, OMIM 300049.
Oto-palato-digital syndrome, type II (OPD2). Also called: Otopalatodigital Syndrome, Type II; FACIOPALATOOSSEOUS SYNDROME; OPD II SYNDROME; Otopalatodigital Syndrome Type 2 (FLNA-OPD2). Identifiers: Orphanet 669, Orphanet 90652, MedGen C1844696, MONDO:0010571, OMIM 304120.
Melnick-Needles syndrome (MNS). Also called: MELNICK-NEEDLES OSTEODYSPLASTY; OSTEODYSPLASTY OF MELNICK AND NEEDLES; Melnick-Needles Syndrome (FLNA-MNS). Identifiers: Orphanet 2484, MedGen C0025237, MONDO:0010650, OMIM 309350.
Frontometaphyseal dysplasia (FMD1). Identifiers: Orphanet 1826, MedGen C0265293, MONDO:0015942.

Submission:

Labcorp Genetics (formerly Invitae), Labcorp
Classification: Uncertain significance for Oto-palato-digital syndrome, type II; Heterotopia, periventricular, X-linked dominant; Frontometaphyseal dysplasia; Melnick-Needles syndrome. Last evaluated: 2025-05-04. Review status: criteria provided, single submitter. Criteria: Invitae Variant Classification Sherloc (09022015). Collection method: clinical testing. Allele origin: germline.
Comment: This sequence change replaces asparagine, which is neutral and polar, with histidine, which is basic and polar, at codon 690 of the FLNA protein (p.Asn690His). This variant is not present in population databases (gnomAD no frequency). This variant has not been reported in the literature in individuals affected with FLNA-related conditions. Invitae Evidence Modeling of protein sequence and biophysical properties (such as structural, functional, and spatial information, amino acid conservation, physicochemical variation, residue mobility, and thermodynamic stability) indicates that this missense variant is not expected to disrupt FLNA protein function with a negative predictive value of 95%. In summary, the available evidence is currently insufficient to determine the role of this variant in disease. Therefore, it has been classified as a Variant of Uncertain Significance.

NM_001110556.2(FLNA):c.2068A>C (p.Asn690His)

Gene: FLNA (filamin A; minus strand). Cytogenetic location: Xq28.
Variant type: single nucleotide variant.
Coding change: c.2068A>C on transcript NM_001110556.2 (MANE Select); coding-DNA position 2068, A replaced by C.
Protein change: p.Asn690His; replaces asparagine 690 with histidine.
Molecular consequence: missense variant.
Genome position (GRCh38, 1-based): chrX:154,364,327, T>G on the plus strand (A>C on the coding strand, the complement: FLNA is on the minus strand). VCF-style: chrX-154364327-T-G. GRCh37 (hg19) VCF-style: chrX-153592695-T-G.
Other names: c.2068A>C, p.Asn690His (NM_001456.4); short protein forms N690H.
Identifiers: ClinVar variation 4788884 (VCV004788884.1).